The following is an entry in ClinVar:

NM_019844.4(SLCO1B3):c.592G>A (p.Asp198Asn)

Genes: SLCO1B3 (solute carrier organic anion transporter family member 1B3; plus strand), SLCO1B3-SLCO1B7 (SLCO1B3-SLCO1B7 readthrough; plus strand). Cytogenetic location: 12p12.2.
Variant type: single nucleotide variant.
Coding change: c.592G>A on transcript NM_019844.4 (MANE Select); coding-DNA position 592, G replaced by A.
Protein change: p.Asp198Asn; replaces aspartic acid 198 with asparagine.
Molecular consequence: missense variant.
Genome position (GRCh38, 1-based): chr12:20,862,522, G>A. VCF-style: chr12-20862522-G-A. GRCh37 (hg19) VCF-style: chr12-21015456-G-A.
Other names: c.508G>A, p.Asp170Asn (NM_001349920.2); short protein forms D198N, D170N.
Identifiers: ClinVar variation 307891 (VCV000307891.8), dbSNP rs368649517, ClinGen allele CA6475249.
Genomic context (GRCh38, chr12:20,862,522, plus strand): 5'-AATATGCTTCGTGGCATAGGGGAAACCCCCATAGTACCATTGGGGATTTCATACATTGAT[G>A]ATTTTGCAAAAGAAGGACATTCTTCCTTGTATTTAGGTAACGTACAGAATATATTAAATT-3'
Protein context (NP_062818.1, residues 188-208): IVPLGISYID[Asp198Asn]FAKEGHSSLY

ClinVar aggregate classification (germline): Uncertain significance. Review status: criteria provided, multiple submitters, no conflicts (2 of 4 stars). 3 submissions from 3 submitters: Uncertain significance (3). Last evaluated 2026-01-05.

Conditions:
SLCO1B3-related disorder. Also called: SLCO1B3-related condition.
Rotor syndrome (HBLRR). Also called: HYPERBILIRUBINEMIA, ROTOR TYPE, DIGENIC; HYPERBILIRUBINEMIA, ROTOR TYPE. Identifiers: Orphanet 3111, MedGen C0220991, MONDO:0009379, OMIM 237450.

Allele frequency attached by ClinVar (database versions not stated): gnomAD exomes 0.00002 and 0.00012; ExAC 0.00008; TOPMed 0.00012; gnomAD 0.00013 and 0.00015.
gnomAD v4.1: 101 of 1,611,480 alleles (0.0063%); highest among the groups gnomAD compares: East Asian, 0.047%; no homozygotes.

Submissions (3):

PreventionGenetics, part of Exact Sciences
Classification: Uncertain significance for SLCO1B3-related condition. Last evaluated: 2026-01-05. Review status: criteria provided, single submitter. Criteria: ACMG Guidelines, 2015. Collection method: clinical testing. Allele origin: germline.
Comment: The SLCO1B3 c.592G>A variant is predicted to result in the amino acid substitution p.Asp198Asn. Experimental studies suggest this variant reduces protein transport activity (Liu et al. 2021. PubMed ID: 33853029). This variant is reported in 0.091% of alleles in individuals of East Asian descent in gnomAD. At this time, the clinical significance of this variant is uncertain due to the absence of conclusive functional and genetic evidence.

Department of Pathology and Laboratory Medicine, Sinai Health System
Classification: Uncertain significance for Rotor syndrome. Last evaluated: 2023-03-07. Review status: criteria provided, single submitter. Criteria: ACMG Guidelines, 2015. Collection method: research. Allele origin: germline.

Illumina Laboratory Services, Illumina
Classification: Uncertain significance for Rotor syndrome. Last evaluated: 2018-01-12. Review status: criteria provided, single submitter. Criteria: ICSL Variant Classification Criteria 13 December 2019. Collection method: clinical testing. Allele origin: germline.